The following is an entry in ClinVar:

NM_017780.4(CHD7):c.8416del (p.Leu2806fs)

Gene: CHD7 (chromodomain helicase DNA binding protein 7; plus strand). Cytogenetic location: 8q12.2.
Variant type: Deletion.
Coding change: c.8416del on transcript NM_017780.4 (MANE Select); coding-DNA position 8416, one base deleted (C; older notation c.8416delC).
Protein change: p.Leu2806fs; shifts the reading frame from leucine 2806.
Molecular consequence: frameshift variant.
Genome position (GRCh38, 1-based): chr8:60,865,355, C deleted; the last of 2 consecutive C bases (chr8:60,865,354-60,865,355); deleting either gives the same sequence. VCF-style (leftmost placement, unchanged base first): chr8-60865353-GC-G. GRCh37 (hg19) VCF-style: chr8-61777912-GC-G.
Other names: c.2269del, p.Leu757fs (NM_001316690.1); short protein forms L757fs, L2806fs.
Identifiers: ClinVar variation 2810449 (VCV002810449.3), dbSNP rs2488146855, ClinGen allele CA2739268821.

ClinVar aggregate classification (germline): Pathogenic (1 of 4 stars; one submission).

Conditions:
CHARGE syndrome (CHARGE). Also called: Hittner Hirsch Kreh syndrome; CHARGE ASSOCIATION--COLOBOMA, HEART ANOMALY, CHOANAL ATRESIA, RETARDATION, GENITAL AND EAR ANOMALIES; Coloboma, heart anomaly, choanal atresia, retardation, genital and ear anomalies; CHARGE association; Hall-Hittner syndrome. Identifiers: Orphanet 138, MedGen C0265354, MONDO:0008965.

Submission:

Labcorp Genetics (formerly Invitae), Labcorp
Classification: Pathogenic for CHARGE syndrome. Last evaluated: 2022-10-28. Review status: criteria provided, single submitter. Criteria: Invitae Variant Classification Sherloc (09022015). Collection method: clinical testing. Allele origin: germline.
Comment: For these reasons, this variant has been classified as Pathogenic. This variant disrupts a region of the CHD7 protein in which other variant(s) (p.Asp2988Glyfs*2) have been determined to be pathogenic (PMID: 18073582, 31564432). This suggests that this is a clinically significant region of the protein, and that variants that disrupt it are likely to be disease-causing. This variant has not been reported in the literature in individuals affected with CHD7-related conditions. This variant is not present in population databases (gnomAD no frequency). This sequence change creates a premature translational stop signal (p.Leu2806Cysfs*11) in the CHD7 gene. While this is not anticipated to result in nonsense mediated decay, it is expected to disrupt the last 192 amino acid(s) of the CHD7 protein.

Literature cited by the submitters: PubMed 18073582; PubMed 31564432.